The following is an entry in ClinVar:

NM_181458.4(PAX3):c.422C>G (p.Ala141Gly)

Gene: PAX3 (paired box 3; minus strand). Cytogenetic location: 2q36.1.
Variant type: single nucleotide variant.
Coding change: c.422C>G on transcript NM_181458.4 (MANE Select); coding-DNA position 422, C replaced by G.
Protein change: p.Ala141Gly; replaces alanine 141 with glycine.
Molecular consequence: missense variant.
Genome position (GRCh38, 1-based): chr2:222,295,557, G>C on the plus strand (C>G on the coding strand, the complement: PAX3 is on the minus strand). VCF-style: chr2-222295557-G-C. GRCh37 (hg19) VCF-style: chr2-223160276-G-C.
Other names: c.422C>G, p.Ala141Gly (NM_000438.6, NM_013942.5, NM_181457.4 and 3 more transcripts); c.419C>G, p.Ala140Gly (NM_001127366.3); short protein forms A141G, A140G.
Identifiers: ClinVar variation 4999697 (VCV004999697.1).

ClinVar aggregate classification (germline): Uncertain significance (1 of 4 stars; one submission).

Conditions:
PAX3-related disorder. Also called: PAX3-related condition.

Submission:

PreventionGenetics, part of Exact Sciences
Classification: Uncertain significance for PAX3-related condition. Last evaluated: 2025-05-22. Review status: criteria provided, single submitter. Criteria: ACMG Guidelines, 2015. Collection method: clinical testing. Allele origin: germline.
Comment: The PAX3 c.422C>G variant is predicted to result in the amino acid substitution p.Ala141Gly. To our knowledge, this variant has not been reported in the literature or in a large population database (gnomAD), indicating this variant is rare. At this time, the clinical significance of this variant is uncertain due to the absence of conclusive functional and genetic evidence.